The following is an entry in ClinVar:

ClinVar aggregate classification (germline): Uncertain significance. Review status: criteria provided, multiple submitters, no conflicts (2 of 4 stars). 4 submissions from 3 submitters: Uncertain significance (4). Last evaluated 2024-10-17.

Conditions:
Osteogenesis imperfecta (OI). Identifiers: Orphanet 666, MedGen C0029434, MeSH D010013, MONDO:0019019.
Ehlers-Danlos syndrome, arthrochalasia type, 2. Also called: EHLERS-DANLOS SYNDROME, TYPE VIIB, AUTOSOMAL DOMINANT. Identifiers: MedGen CN293783, MONDO:0040501, OMIM 617821.
Osteogenesis imperfecta type I (OI1). Also called: Lobstein's Disease; OI, TYPE I; OSTEOGENESIS IMPERFECTA TARDA; OSTEOGENESIS IMPERFECTA WITH BLUE SCLERAE; Osteogenesis imperfecta type 1; Lobstein disease. Identifiers: Orphanet 216796, Orphanet 666, MedGen C0023931, MONDO:0008146, OMIM 166200. Disease mechanism: loss of function.
Ehlers-Danlos syndrome, classic type, 1 (EDSCL1). Also called: Ehlers-Danlos syndrome, type 1; EHLERS-DANLOS SYNDROME, GRAVIS TYPE; EHLERS-DANLOS SYNDROME, SEVERE CLASSIC TYPE; EDS I; Ehlers-Danlos Syndrome, Classic Type, COL5A1-Related. Identifiers: MedGen C0268335, MONDO:0019567, OMIM 130000.

Allele frequency attached by ClinVar (database versions not stated): TOPMed below 0.00001; gnomAD exomes 0.00001 and 0.00002; ExAC 0.00002.
gnomAD v4.1: 6 of 1,614,164 alleles (0.00037%); highest among the groups gnomAD compares: Non-Finnish European, 0.00034%; no homozygotes.

Submissions (4):

Labcorp Genetics (formerly Invitae), Labcorp
Classification: Uncertain significance for Osteogenesis imperfecta type I; Ehlers-Danlos syndrome, classic type, 1. Last evaluated: 2024-10-17. Review status: criteria provided, single submitter. Criteria: Invitae Variant Classification Sherloc (09022015). Collection method: clinical testing. Allele origin: germline.
Comment: This sequence change replaces aspartic acid, which is acidic and polar, with asparagine, which is neutral and polar, at codon 1165 of the COL1A2 protein (p.Asp1165Asn). This variant is present in population databases (rs754149044, gnomAD 0.003%). This variant has not been reported in the literature in individuals affected with COL1A2-related conditions. ClinVar contains an entry for this variant (Variation ID: 909054). Invitae Evidence Modeling of protein sequence and biophysical properties (such as structural, functional, and spatial information, amino acid conservation, physicochemical variation, residue mobility, and thermodynamic stability) has been performed for this missense variant. However, the output from this modeling did not meet the statistical confidence thresholds required to predict the impact of this variant on COL1A2 protein function. This variant disrupts the p.Asp1165 amino acid residue in COL1A2. Other variant(s) that disrupt this residue have been determined to be pathogenic (PMID: 21530898, 25146735; internal data). This suggests that this residue is clinically significant, and that variants that disrupt this residue are likely to be disease-causing. In summary, the available evidence is currently insufficient to determine the role of this variant in disease. Therefore, it has been classified as a Variant of Uncertain Significance.

GeneDx
Classification: Uncertain significance. Last evaluated: 2021-05-20. Review status: criteria provided, single submitter. Criteria: GeneDx Variant Classification Process June 2021. Collection method: clinical testing. Allele origin: germline. Affected: yes.
Comment: Has not been previously published as pathogenic or benign to our knowledge; Not observed at a significant frequency in large population cohorts (Lek et al., 2016); In silico analysis supports that this missense variant has a deleterious effect on protein structure/function; Not located in the triple helical region, where the majority of pathogenic missense variants occur (Stenson et al., 2014)

Illumina Laboratory Services, Illumina
Classification: Uncertain significance for Ehlers-Danlos syndrome, arthrochalasia type, 2. Last evaluated: 2017-04-27. Review status: criteria provided, single submitter. Criteria: ICSL Variant Classification Criteria 13 December 2019. Collection method: clinical testing. Allele origin: germline.

Illumina Laboratory Services, Illumina
Classification: Uncertain significance for Osteogenesis imperfecta. Last evaluated: 2017-04-27. Review status: criteria provided, single submitter. Criteria: ICSL Variant Classification Criteria 13 December 2019. Collection method: clinical testing. Allele origin: germline.

Literature cited by the submitters: PubMed 21530898 (cited by Labcorp Genetics (formerly Invitae), Labcorp); PubMed 25146735 (cited by Labcorp Genetics (formerly Invitae), Labcorp).

NM_000089.4(COL1A2):c.3493G>A (p.Asp1165Asn)

Gene: COL1A2 (collagen type I alpha 2 chain; plus strand). Cytogenetic location: 7q21.3.
Variant type: single nucleotide variant.
Coding change: c.3493G>A on transcript NM_000089.4 (MANE Select); coding-DNA position 3493, G replaced by A.
Protein change: p.Asp1165Asn; replaces aspartic acid 1165 with asparagine.
Molecular consequence: missense variant.
Genome position (GRCh38, 1-based): chr7:94,427,852, G>A. VCF-style: chr7-94427852-G-A. GRCh37 (hg19) VCF-style: chr7-94057164-G-A.
Other names: short protein forms D1165N.
Identifiers: ClinVar variation 909054 (VCV000909054.10), dbSNP rs754149044, ClinGen allele CA4347767.